The following is an entry in ClinVar:

ClinVar aggregate classification (germline): Uncertain significance. Review status: criteria provided, multiple submitters, no conflicts (2 of 4 stars). 6 submissions from 6 submitters: Uncertain significance (6). Last evaluated 2026-04-30.

Conditions:
CHEK2-related disorder.
Hereditary cancer-predisposing syndrome. Also called: Neoplastic Syndromes, Hereditary; Tumor predisposition; Hereditary Cancer Syndrome; Hereditary neoplastic syndrome. Identifiers: Orphanet 140162, MedGen C0027672, MeSH D009386, MONDO:0015356.
Familial cancer of breast. Also called: hereditary breast carcinoma; BREAST CANCER, FAMILIAL; Hereditary breast cancer. Identifiers: Orphanet 227535, MedGen C0346153, MONDO:0016419, OMIM 114480. Disease mechanism: loss of function.

Submissions (6):

PreventionGenetics, part of Exact Sciences
Classification: Uncertain significance for CHEK2-related condition. Last evaluated: 2026-04-30. Review status: criteria provided, single submitter. Criteria: ACMG Guidelines, 2015. Collection method: clinical testing. Allele origin: germline.
Comment: The CHEK2 c.1399_1401delTTG variant is predicted to result in an in-frame deletion (p.Leu467del). This variant has been reported in an individual with breast cancer who tested negative for BRCA1/2 (Table S2, Hauke et al. 2018. PubMed ID: 29522266). This variant has not been reported in a large population database (gnomAD) and is interpreted as uncertain in ClinVar (Variation ID: 230233). At this time, the clinical significance of this variant is uncertain due to the absence of conclusive functional and genetic evidence.

Labcorp Genetics (formerly Invitae), Labcorp
Classification: Uncertain significance for Familial cancer of breast. Last evaluated: 2025-11-10. Review status: criteria provided, single submitter. Criteria: Invitae Variant Classification Sherloc (09022015). Collection method: clinical testing. Allele origin: germline.
Comment: This variant, c.1399_1401del, results in the deletion of 1 amino acid(s) of the CHEK2 protein (p.Leu467del), but otherwise preserves the integrity of the reading frame. This variant is not present in population databases (gnomAD no frequency). This variant has not been reported in the literature in individuals affected with CHEK2-related conditions. ClinVar contains an entry for this variant (Variation ID: 230233). Experimental studies and prediction algorithms are not available or were not evaluated, and the functional significance of this variant is currently unknown. In summary, the available evidence is currently insufficient to determine the role of this variant in disease. Therefore, it has been classified as a Variant of Uncertain Significance.

Color Diagnostics, LLC DBA Color Health
Classification: Uncertain significance for Hereditary cancer-predisposing syndrome. Last evaluated: 2025-08-08. Review status: criteria provided, single submitter. Criteria: ACMG Guidelines, 2015. Collection method: clinical testing. Allele origin: germline.
Comment: This variant causes an in-frame deletion of one amino acid at codon 467 of the CHEK2 protein. To our knowledge, functional studies have not been reported for this variant. This variant has been reported in individuals affected with breast cancer (PMID: 29522266). This variant has not been identified in the general population by the Genome Aggregation Database (gnomAD). The available evidence is insufficient to determine the role of this variant in disease conclusively. Therefore, this variant is classified as a Variant of Uncertain Significance.

Ambry Genetics
Classification: Uncertain significance for Hereditary cancer-predisposing syndrome. Last evaluated: 2025-02-27. Review status: criteria provided, single submitter. Criteria: Ambry Variant Classification Scheme 2023. Collection method: clinical testing. Allele origin: germline.
Comment: The c.1399_1401delTTG variant (also known as p.L467del) is located in coding exon 12 of the CHEK2 gene. This variant results from an in-frame TTG deletion at nucleotide positions 1399 to 1401. This results in the in-frame deletion of a leucine at codon 467. This alteration was detected in 2/5589 German BRCA1/2-negative probands with breast cancer (Hauke J et al. Cancer Med, 2018 04;7:1349-1358). This amino acid position is highly conserved in available vertebrate species. In addition, this alteration is predicted to be deleterious by in silico analysis (Choi Y et al. PLoS ONE. 2012; 7(10):e46688). Based on the available evidence, the clinical significance of this variant remains unclear.

Sema4
Classification: Uncertain significance for Hereditary cancer-predisposing syndrome. Last evaluated: 2021-07-06. Review status: criteria provided, single submitter. Criteria: Sema4 Curation Guidelines. Collection method: curation. Allele origin: germline.
Comment: The CHEK2 c.1399_1401del (p.L467del) variant has not been reported in the literature to our knowledge. It was not observed in the large and broad cohorts of the Genome Aggregation Database (PMID: 32461654). The variant has been reported in ClinVar (Variation ID: 230233). This variant results in the in-frame deletion of a leucine amino acid at codon 467, which is highly conserved in available vertebrate species. The evidence is insufficient to meet ACMG/AMP criteria for classifying the variant as benign or pathogenic. Thus, the clinical significance of this variant is currently uncertain.

GeneDx
Classification: Uncertain significance. Last evaluated: 2016-08-07. Review status: criteria provided, single submitter. Criteria: GeneDx Variant Classification (06012015). Collection method: clinical testing. Allele origin: germline. Affected: yes.
Comment: This in-frame deletion of 3 nucleotides in CHEK2 is denoted c.1399_1401delTTG at the cDNA level and p.Leu467del (L467del) at the protein level. The normal sequence, with the bases that are deleted in braces, is GTTG[TTG]GTAG. This deletion of a single Leucine residue occurs at a position that is conserved across species and is located in the protein kinase domain (Desrichard 2011, Roeb 2012). CHEK2 Leu467del was not observed in approximately 6,500 individuals of European and African American ancestry in the NHLBI Exome Sequencing Project, suggesting it is not a common benign variant in these populations. This variant has not, to our knowledge, been published in the literature as pathogenic or benign. Since in-frame deletions may or may not inhibit proper protein functioning, the clinical significance of this finding remains unclear at this time and we consider CHEK2 Leu467del to be a variant of uncertain significance.

Literature cited by the submitters: PubMed 29522266 (cited by Color Diagnostics, LLC DBA Color Health and Ambry Genetics).

NM_007194.4(CHEK2):c.1396TTG[1] (p.Leu467del)

Gene: CHEK2 (checkpoint kinase 2; minus strand). Cytogenetic location: 22q12.1.
Variant type: Microsatellite.
Coding change: c.1396TTG[1] on transcript NM_007194.4 (MANE Select); one copy of the 3-base unit TTG starting at c.1396; the reference has two copies in a row; one copy, 3 bases deleted; also written c.1399_1401del.
Protein change: p.Leu467del; deletes leucine 467.
Molecular consequence: inframe deletion. On other transcripts: inframe indel (4).
Genome position (GRCh38, 1-based): chr22:28,694,092-28,694,094, CAA deleted on the plus strand (TTG on the coding strand, the reverse complement: CHEK2 is on the minus strand); deleting any 3 consecutive bases within chr22:28,694,092-28,694,098 gives the same sequence; the position shown is the placement nearest the transcript's 3' end. VCF-style (leftmost placement, unchanged base first): chr22-28694091-CCAA-C. GRCh37 (hg19) VCF-style: chr22-29090079-CCAA-C.
Other names: c.732_734GTT[1], p.Leu246del (NM_001257387.3); c.1194_1196GTT[1], p.Leu400del (NM_001349956.3); c.1308_1310GTT[1], p.Leu438del (NM_145862.3); c.1524_1526GTT[1], p.Leu510del (NM_001005735.3); c.1399_1401del (NM_007194.3, NM_007194.4); short protein forms L467del, L400del, L246del, L438del, L510del.
Identifiers: ClinVar variation 230233 (VCV000230233.21), dbSNP rs876658456, ClinGen allele CA10577628.